The following is an entry in ClinVar:

ClinVar aggregate classification (germline): Likely pathogenic (1 of 4 stars; one submission).

Submission:

Labcorp Genetics (formerly Invitae), Labcorp
Classification: Likely pathogenic. Last evaluated: 2024-03-10. Review status: criteria provided, single submitter. Criteria: Invitae Variant Classification Sherloc (09022015). Collection method: clinical testing. Allele origin: germline.
Comment: This sequence change replaces glycine, which is neutral and non-polar, with serine, which is neutral and polar, at codon 747 of the COL2A1 protein (p.Gly747Ser). This variant is not present in population databases (gnomAD no frequency). This variant has not been reported in the literature in individuals affected with COL2A1-related conditions. Advanced modeling of protein sequence and biophysical properties (such as structural, functional, and spatial information, amino acid conservation, physicochemical variation, residue mobility, and thermodynamic stability) performed at Invitae indicates that this missense variant is expected to disrupt COL2A1 protein function with a positive predictive value of 95%. This variant disrupts the triple helix domain of COL2A1. Glycine residues within the Gly-Xaa-Yaa repeats of the triple helix domain are required for the structure and stability of fibrillar collagens (PMID: 7695699, 8218237, 19344236). In COL2A1, variants affecting these glycine residues are significantly enriched in individuals with disease (PMID: 9016532, 17078022) compared to the general population (ExAC). In summary, the currently available evidence indicates that the variant is pathogenic, but additional data are needed to prove that conclusively. Therefore, this variant has been classified as Likely Pathogenic.

Literature cited by the submitters: PubMed 7695699; PubMed 8218237; PubMed 19344236; PubMed 9016532; PubMed 17078022.

NM_001844.5(COL2A1):c.2239G>A (p.Gly747Ser)

Gene: COL2A1 (collagen type II alpha 1 chain; minus strand). Cytogenetic location: 12q13.11.
Variant type: single nucleotide variant.
Coding change: c.2239G>A on transcript NM_001844.5 (MANE Select); coding-DNA position 2239, G replaced by A.
Protein change: p.Gly747Ser; replaces glycine 747 with serine.
Molecular consequence: missense variant.
Genome position (GRCh38, 1-based): chr12:47,982,564, C>T on the plus strand (G>A on the coding strand, the complement: COL2A1 is on the minus strand). VCF-style: chr12-47982564-C-T. GRCh37 (hg19) VCF-style: chr12-48376347-C-T.
Other names: c.2032G>A, p.Gly678Ser (NM_033150.3); short protein forms G678S, G747S.
Identifiers: ClinVar variation 3645333 (VCV003645333.2).